The following is an entry in ClinVar:

ClinVar aggregate classification (germline): Uncertain significance (1 of 4 stars; one submission).

Conditions:
Peutz-Jeghers syndrome (PJS). Also called: POLYPOSIS, HAMARTOMATOUS INTESTINAL; POLYPS-AND-SPOTS SYNDROME; Peutz-Jeghers polyposis; Periorificial lentiginosis syndrome. Identifiers: Orphanet 2869, MedGen C0031269, MeSH D010580, MONDO:0008280, OMIM 175200.

Submission:

Labcorp Genetics (formerly Invitae), Labcorp
Classification: Uncertain significance for Peutz-Jeghers syndrome. Last evaluated: 2023-08-28. Review status: criteria provided, single submitter. Criteria: Invitae Variant Classification Sherloc (09022015). Collection method: clinical testing. Allele origin: germline.
Comment: This sequence change replaces methionine, which is neutral and non-polar, with lysine, which is basic and polar, at codon 392 of the STK11 protein (p.Met392Lys). In summary, the available evidence is currently insufficient to determine the role of this variant in disease. Therefore, it has been classified as a Variant of Uncertain Significance. Advanced modeling of protein sequence and biophysical properties (such as structural, functional, and spatial information, amino acid conservation, physicochemical variation, residue mobility, and thermodynamic stability) performed at Invitae indicates that this missense variant is not expected to disrupt STK11 protein function. This variant has not been reported in the literature in individuals affected with STK11-related conditions. This variant is not present in population databases (gnomAD no frequency).

NM_000455.5(STK11):c.1175T>A (p.Met392Lys)

Gene: STK11 (serine/threonine kinase 11; plus strand). Cytogenetic location: 19p13.3.
Variant type: single nucleotide variant.
Coding change: c.1175T>A on transcript NM_000455.5 (MANE Select); coding-DNA position 1175, T replaced by A.
Protein change: p.Met392Lys; replaces methionine 392 with lysine.
Molecular consequence: missense variant. On other transcripts: non-coding transcript variant (1).
Genome position (GRCh38, 1-based): chr19:1,226,520, T>A. VCF-style: chr19-1226520-T-A. GRCh37 (hg19) VCF-style: chr19-1226519-T-A.
Other names: short protein forms M392K.
Identifiers: ClinVar variation 2752464 (VCV002752464.3), dbSNP rs876661013, ClinGen allele CA402953524.